The following is an entry in ClinVar:

ClinVar aggregate classification (germline): Likely benign (0 of 4 stars; one submission).

Conditions:
KIF26B-related disorder. Also called: KIF26B-related condition.

Allele frequency attached by ClinVar (database versions not stated): gnomAD 0.00001; gnomAD exomes 0.00002; TOPMed 0.00005.
gnomAD v4.1: 36 of 1,499,054 alleles (0.0024%); highest among the groups gnomAD compares: Middle Eastern, 0.047%; no homozygotes.

Submission:

PreventionGenetics, part of Exact Sciences
Classification: Likely benign for KIF26B-related condition. Last evaluated: 2019-03-04. Review status: no assertion criteria provided. Collection method: clinical testing. Allele origin: germline.
Comment: This variant is classified as likely benign based on ACMG/AMP sequence variant interpretation guidelines (Richards et al. 2015 PMID: 25741868, with internal and published modifications).

NM_018012.4(KIF26B):c.453C>T (p.Pro151=)

Genes: KIF26B (kinesin family member 26B; plus strand), LOC129932922 (ATAC-STARR-seq lymphoblastoid silent region 2029; plus strand). Cytogenetic location: 1q44.
Variant type: single nucleotide variant.
Coding change: c.453C>T on transcript NM_018012.4 (MANE Select); coding-DNA position 453, C replaced by T.
Protein change: p.Pro151=; no amino-acid change (proline 151 retained).
Molecular consequence: synonymous variant.
Genome position (GRCh38, 1-based): chr1:245,156,671, C>T. VCF-style: chr1-245156671-C-T. GRCh37 (hg19) VCF-style: chr1-245319973-C-T.
Identifiers: ClinVar variation 3035159 (VCV003035159.2), dbSNP rs1158426786, ClinGen allele CA424411381.